The following is an entry in ClinVar:

ClinVar aggregate classification (germline): Uncertain significance. Review status: criteria provided, multiple submitters, no conflicts (2 of 4 stars). 2 submissions from 2 submitters: Uncertain significance (2). Last evaluated 2024-01-04.

Conditions:
Inborn genetic diseases. Identifiers: MedGen C0950123, MeSH D030342.

Allele frequency attached by ClinVar (database versions not stated): gnomAD exomes below 0.00001; TOPMed 0.00001.

Submissions (2):

Ambry Genetics
Classification: Uncertain significance for Inborn genetic diseases. Last evaluated: 2024-01-04. Review status: criteria provided, single submitter. Criteria: Ambry Variant Classification Scheme 2023. Collection method: clinical testing. Allele origin: germline.

Labcorp Genetics (formerly Invitae), Labcorp
Classification: Uncertain significance. Last evaluated: 2022-11-25. Review status: criteria provided, single submitter. Criteria: Invitae Variant Classification Sherloc (09022015). Collection method: clinical testing. Allele origin: germline.
Comment: In summary, the available evidence is currently insufficient to determine the role of this variant in disease. Therefore, it has been classified as a Variant of Uncertain Significance. Advanced modeling of protein sequence and biophysical properties (such as structural, functional, and spatial information, amino acid conservation, physicochemical variation, residue mobility, and thermodynamic stability) performed at Invitae indicates that this missense variant is not expected to disrupt INTU protein function. This variant has not been reported in the literature in individuals affected with INTU-related conditions. This variant is present in population databases (no rsID available, gnomAD 0.003%). This sequence change replaces isoleucine, which is neutral and non-polar, with leucine, which is neutral and non-polar, at codon 95 of the INTU protein (p.Ile95Leu).

NM_015693.4(INTU):c.283A>C (p.Ile95Leu)

Gene: INTU (inturned planar cell polarity protein; plus strand). Cytogenetic location: 4q28.1.
Variant type: single nucleotide variant.
Coding change: c.283A>C on transcript NM_015693.4 (MANE Select); coding-DNA position 283, A replaced by C.
Protein change: p.Ile95Leu; replaces isoleucine 95 with leucine.
Molecular consequence: missense variant.
Genome position (GRCh38, 1-based): chr4:127,643,657, A>C. VCF-style: chr4-127643657-A-C. GRCh37 (hg19) VCF-style: chr4-128564812-A-C.
Other names: c.283A>C (NM_015693.3); short protein forms I95L.
Identifiers: ClinVar variation 3005634 (VCV003005634.4), dbSNP rs1464649752, ClinGen allele CA358133212.
Genomic context (GRCh38, chr4:127,643,657, plus strand): 5'-GAAGAAAGCCTCCTTCCTGAGACACCAACTGTGAACCATGTCAGGTTCAGTGAAAATGAG[A>C]TTATCATTGAAGATGACTACAAAGAAAGAAAAAAGTATGAACCCAAACTCAAGCAGTTTA-3'
Protein context (NP_056508.2, residues 85-105): VNHVRFSENE[Ile95Leu]IIEDDYKERK